The following is an entry in ClinVar:

ClinVar aggregate classification (germline): Uncertain significance (1 of 4 stars; one submission).

Conditions:
RAI1-related disorder. Also called: RAI1-related condition.

gnomAD v4.1: 3 of 1,613,410 alleles (0.00019%); highest among the groups gnomAD compares: South Asian, 0.0011%; no homozygotes.

Submission:

PreventionGenetics, part of Exact Sciences
Classification: Uncertain significance for RAI1-related condition. Last evaluated: 2026-05-20. Review status: criteria provided, single submitter. Criteria: ACMG Guidelines, 2015. Collection method: clinical testing. Allele origin: germline.
Comment: The RAI1 c.470A>G variant is predicted to result in the amino acid substitution p.Tyr157Cys. To our knowledge, this variant has not been reported in the literature. This variant is reported in 0.00088% of alleles in individuals of European (Non-Finnish) descent in gnomAD. At this time, the clinical significance of this variant is uncertain due to the absence of conclusive functional and genetic evidence.

NM_030665.4(RAI1):c.470A>G (p.Tyr157Cys)

Gene: RAI1 (retinoic acid induced 1; plus strand). Cytogenetic location: 17p11.2.
Variant type: single nucleotide variant.
Coding change: c.470A>G on transcript NM_030665.4 (MANE Select); coding-DNA position 470, A replaced by G.
Protein change: p.Tyr157Cys; replaces tyrosine 157 with cysteine.
Molecular consequence: missense variant.
Genome position (GRCh38, 1-based): chr17:17,793,418, A>G. VCF-style: chr17-17793418-A-G. GRCh37 (hg19) VCF-style: chr17-17696732-A-G.
Other names: short protein forms Y157C.
Identifiers: ClinVar variation 4993141 (VCV004993141.1).